The following is an entry in ClinVar:

ClinVar aggregate classification (germline): Pathogenic (1 of 4 stars; one submission).

Conditions:
Hereditary cancer-predisposing syndrome. Also called: Tumor predisposition; Neoplastic Syndromes, Hereditary; Hereditary neoplastic syndrome; Hereditary Cancer Syndrome. Identifiers: Orphanet 140162, MedGen C0027672, MeSH D009386, MONDO:0015356.

Submission:

Molecular Diagnostics Laboratory, Catalan Institute of Oncology
Classification: Pathogenic for Hereditary cancer-predisposing syndrome. Last evaluated: 2025-07-03. Review status: criteria provided, single submitter. Criteria: ClinGen ACMG Specifications ATM V1.1.0. Collection method: clinical testing. Allele origin: germline.
Comment: PVS1, PM2_Supporting, PM5_Supporting c.3934A>T, located in exon 26 of the ATM gene, is expected to result in loss of function by premature protein truncation and nonsense-mediated mRNA decay, p.(Arg1312*) (PVS1, PM5_Supporting). It is not present in the population database gnomAD v2.1.1, non cancer dataset (PM2_Supporting). The SpliceAI algorithm predicts no significant impact on splicing. To our knowledge, neither relevant clinical data nor well-established functional studies have been reported for this variant. This variant has not been reported in either ClinVar or LOVD databases. Based on currently available information, the variant c.3934A>T should be considered a pathogenic variant.

NM_000051.4(ATM):c.3934A>T (p.Arg1312Ter)

Gene: ATM (ATM serine/threonine kinase; plus strand). Cytogenetic location: 11q22.3.
Variant type: single nucleotide variant.
Coding change: c.3934A>T on transcript NM_000051.4 (MANE Select); coding-DNA position 3934, A replaced by T.
Protein change: p.Arg1312Ter; replaces arginine 1312 with a stop codon.
Molecular consequence: nonsense.
Genome position (GRCh38, 1-based): chr11:108,284,414, A>T. VCF-style: chr11-108284414-A-T. GRCh37 (hg19) VCF-style: chr11-108155141-A-T.
Other names: c.3934A>T, p.Arg1312Ter (NM_001351834.2); short protein forms R1312*.
Identifiers: ClinVar variation 4082318 (VCV004082318.1).